The following is an entry in ClinVar:

NM_001164508.2(NEB):c.1849G>A (p.Asp617Asn)

Gene: NEB (nebulin; minus strand). Cytogenetic location: 2q23.3.
Variant type: single nucleotide variant.
Coding change: c.1849G>A on transcript NM_001164508.2 (MANE Select); coding-DNA position 1849, G replaced by A.
Protein change: p.Asp617Asn; replaces aspartic acid 617 with asparagine.
Molecular consequence: missense variant.
Genome position (GRCh38, 1-based): chr2:151,694,370, C>T on the plus strand (G>A on the coding strand, the complement: NEB is on the minus strand). VCF-style: chr2-151694370-C-T. GRCh37 (hg19) VCF-style: chr2-152550884-C-T.
Other names: c.1849G>A, p.Asp617Asn (NM_001164507.2, NM_001271208.2, NM_004543.5); short protein forms D617N.
Identifiers: ClinVar variation 1982002 (VCV001982002.1), dbSNP rs2552268550, ClinGen allele CA348824385.

ClinVar aggregate classification (germline): Uncertain significance (1 of 4 stars; one submission).

Conditions:
Nemaline myopathy 2 (NEM2). Also called: Nemaline myopathy 2, autosomal recessive. Identifiers: MedGen C1850569, MONDO:0009725, OMIM 256030.

Allele frequency attached by ClinVar (database versions not stated): gnomAD exomes below 0.00001.
gnomAD v4.1: 3 of 1,613,970 alleles (0.00019%); highest among the groups gnomAD compares: South Asian, 0.0022%; no homozygotes.

Submission:

Labcorp Genetics (formerly Invitae), Labcorp
Classification: Uncertain significance for Nemaline myopathy 2. Last evaluated: 2021-09-24. Review status: criteria provided, single submitter. Criteria: Invitae Variant Classification Sherloc (09022015). Collection method: clinical testing. Allele origin: germline.
Comment: This sequence change replaces aspartic acid with asparagine at codon 617 of the NEB protein (p.Asp617Asn). The aspartic acid residue is moderately conserved and there is a small physicochemical difference between aspartic acid and asparagine. This variant is not present in population databases (ExAC no frequency). This variant has not been reported in the literature in individuals with NEB-related conditions. Algorithms developed to predict the effect of missense changes on protein structure and function are either unavailable or do not agree on the potential impact of this missense change (SIFT: "Deleterious"; PolyPhen-2: "Not Available"; Align-GVGD: "Class C0"). In summary, the available evidence is currently insufficient to determine the role of this variant in disease. Therefore, it has been classified as a Variant of Uncertain Significance.